The following is an entry in ClinVar:

NM_022132.5(MCCC2):c.557_560delinsTTGTCGAGGTAAGTGT (p.Pro186_Asp187delinsLeuValGluValSerVal)

Gene: MCCC2 (methylcrotonyl-CoA carboxylase subunit 2; plus strand). Cytogenetic location: 5q13.2.
Variant type: Indel.
Coding change: c.557_560delinsTTGTCGAGGTAAGTGT on transcript NM_022132.5 (MANE Select); coding-DNA positions 557 to 560, CAGA replaced by TTGTCGAGGTAAGTGT.
Protein change: p.Pro186_Asp187delinsLeuValGluValSerVal.
Molecular consequence: inframe indel.
Genome position (GRCh38, 1-based): chr5:71,604,401-71,604,404, CAGA replaced by TTGTCGAGGTAAGTGT. VCF-style: chr5-71604401-CAGA-TTGTCGAGGTAAGTGT. GRCh37 (hg19) VCF-style: chr5-70900228-CAGA-TTGTCGAGGTAAGTGT.
Other names: c.557_560delinsTTGTCGAGGTAAGTGT, p.Pro186_Asp187delinsLeuValGluValSerVal (NM_001363147.1).
Identifiers: ClinVar variation 198250 (VCV000198250.10), dbSNP rs797044772, ClinGen allele CA275353.

ClinVar aggregate classification (germline): Conflicting classifications of pathogenicity. Review status: criteria provided, conflicting classifications (1 of 4 stars). 3 submissions from 3 submitters: Likely pathogenic (1); Uncertain significance (2). Last evaluated 2025-11-26.

Conditions:
3-methylcrotonyl-CoA carboxylase 2 deficiency. Also called: 3 alpha methylcrotonyl-CoA carboxylase 2 deficiency; 3 alpha methylcrotonylglycinuria 2; MCC 2 deficiency; Methylcrotonylglycinuria type 2; METHYLCROTONYLGLYCINURIA, TYPE II. Identifiers: Orphanet 6, MedGen C1859499, MONDO:0008862, OMIM 210210.

Submissions (3):

Women's Health and Genetics/Laboratory Corporation of America, LabCorp
Classification: Uncertain significance. Last evaluated: 2025-11-26. Review status: criteria provided, single submitter. Criteria: LabCorp Variant Classification Summary - May 2015. Collection method: clinical testing. Allele origin: germline.
Comment: Variant summary: MCCC2 c.557_560delinsTTGTCGAGGTAAGTGT (p.Pro186_Asp187delinsLeuValGluValSerVal) results in an in-frame deletion-insertion that is predicted to delete 2 amino acids and insert 6 amino acids from the protein. Several computational tools predict a significant impact on normal splicing: Four predict the variant creates a 5 donor site. Two predict the variant creates a 3 acceptor site. However, these predictions have yet to be confirmed by functional studies. The variant was absent in 251460 control chromosomes. The available data on variant occurrences in the general population are insufficient to allow any conclusion about variant significance. To our knowledge, no occurrence of c.557_560delins16 in individuals affected with MCCC2-related conditions and no experimental evidence demonstrating its impact on protein function have been reported. ClinVar contains an entry for this variant (Variation ID: 198250). Based on the evidence outlined above, the variant was classified as uncertain significance.

Labcorp Genetics (formerly Invitae), Labcorp
Classification: Uncertain significance for 3-methylcrotonyl-CoA carboxylase 2 deficiency. Last evaluated: 2025-03-17. Review status: criteria provided, single submitter. Criteria: Invitae Variant Classification Sherloc (09022015). Collection method: clinical testing. Allele origin: germline.
Comment: This variant, c.557_560delins16, is a complex sequence change that results in the deletion of 2 amino acids and insertion of 6 amino acid(s) in the MCCC2 protein (p.Pro186_Asp187delinsLeuValGluValSerVal). This variant is not present in population databases (gnomAD no frequency). This variant has been observed in individual(s) with clinical features of 3MCC deficiency (internal data). Experimental studies and prediction algorithms are not available or were not evaluated, and the functional significance of this variant is currently unknown. Algorithms developed to predict the effect of sequence changes on RNA splicing suggest that this variant may disrupt the consensus splice site. In summary, the available evidence is currently insufficient to determine the role of this variant in disease. Therefore, it has been classified as a Variant of Uncertain Significance.

Eurofins Ntd Llc (ga)
Classification: Likely pathogenic. Last evaluated: 2015-05-04. Review status: criteria provided, single submitter. Criteria: EGL Classification Definitions 2015. Collection method: clinical testing. Allele origin: germline. Observed: 1 variant allele, 1 heterozygote.